The following is an entry in ClinVar:

NM_001384140.1(PCDH15):c.4671+1257_4671+1258del

Gene: PCDH15 (protocadherin related 15; minus strand). Cytogenetic location: 10q21.1.
Variant type: Deletion.
Coding change: c.4671+1257_4671+1258del on transcript NM_001384140.1 (MANE Select); bases 1257 to 1258 of the intron after coding-DNA position 4671, 2 bases deleted (TC; older notation c.4671+1257_4671+1258delTC).
Molecular consequence: intron variant. On other transcripts: frameshift variant (2), 3 prime UTR variant (1).
Genome position (GRCh38, 1-based): chr10:53,809,298-53,809,299, GA deleted on the plus strand (TC on the coding strand, the reverse complement: PCDH15 is on the minus strand); deleting any 2 consecutive bases within chr10:53,809,298-53,809,300 gives the same sequence; the c. name uses the placement nearest the transcript's 3' end. VCF-style (leftmost placement, unchanged base first): chr10-53809297-TGA-T. GRCh37 (hg19) VCF-style: chr10-55569057-TGA-T.
Other names: c.4765_4766delCT, p.Leu1589Hisfs (NM_001142769.4); c.*181_*182del (NM_001142770.3); c.4745_4746del, p.Leu1582fs (NM_001354411.2); c.4476+1257_4476+1258del (NM_001354420.2); c.4605+1257_4605+1258del (NM_001354429.2); c.4482+1257_4482+1258del (NM_001142772.2); c.4497+1257_4497+1258del (NM_001142771.2); short protein forms L1582fs, L1589fs.
Identifiers: ClinVar variation 556903 (VCV000556903.3), dbSNP rs1554815781, ClinGen allele CA658822081.
Genomic context (GRCh38, chr10:53,809,297, plus strand): 5'-CGCTGGAGGATTCCTCCTCTGATTCTACAGTGCTTTCTGTTGCTTCCTCTTGGTCCAGAG[TGA>T]GTTTCAAATAATCTTTATCTTCTTCCTCAAGGCGTCTCTGCCACTCTTCACCCTCAAGGT-3'

ClinVar aggregate classification (germline): Uncertain significance. Review status: criteria provided, single submitter (1 of 4 stars). 2 submissions from 2 submitters: Uncertain significance (1). 1 of the submissions does not count toward it. Last evaluated 2024-12-26.

Conditions:
Usher syndrome type 1F (USH1F). Also called: USHER SYNDROME, TYPE IF. Identifiers: Orphanet 231169, Orphanet 886, MedGen C1865885, MONDO:0011186, OMIM 602083.

Submissions (2):

GeneDx
Classification: Uncertain significance. Last evaluated: 2024-12-26. Review status: criteria provided, single submitter. Criteria: GeneDx Variant Classification Process June 2021. Collection method: clinical testing. Allele origin: germline. Affected: yes.
Comment: Not observed at significant frequency in large population cohorts (gnomAD); Frameshift variant predicted to result in abnormal protein length as the last 202 amino acid(s) are replaced with 23 different amino acid(s); Reported using an alternate transcript of the gene; This variant is associated with the following publications: (PMID: 35982127)

Counsyl
Classification: Uncertain significance for Usher syndrome type 1F. Last evaluated: 2018-02-26. Review status: no assertion criteria provided. Collection method: clinical testing. Allele origin: unknown. Not counted in ClinVar's aggregate classification.